The following is an entry in ClinVar:

ClinVar aggregate classification (germline): Likely benign. Review status: criteria provided, single submitter (1 of 4 stars). 2 submissions from 2 submitters: Likely benign (1). 1 of the submissions does not count toward it. Last evaluated 2024-01-09.

Conditions:
5-Oxoprolinase deficiency (OPLAHD). Also called: 5-OXOPROLINURIA DUE TO 5-OXOPROLINASE DEFICIENCY. Identifiers: Orphanet 33572, MedGen C0268525, MONDO:0009825, OMIM 260005, HP:0040142.
OPLAH-related disorder. Also called: OPLAH-related condition.

Allele frequency attached by ClinVar (database versions not stated): ExAC 0.00005; ESP Exome Variant Server 0.00008; gnomAD 0.00010; TOPMed 0.00015.
gnomAD v4.1: 175 of 1,611,662 alleles (0.011%); highest among the groups gnomAD compares: Admixed American, 0.03%; no homozygotes.

Submissions (2):

Labcorp Genetics (formerly Invitae), Labcorp
Classification: Likely benign for 5-Oxoprolinase deficiency. Last evaluated: 2024-01-09. Review status: criteria provided, single submitter. Criteria: Invitae Variant Classification Sherloc (09022015). Collection method: clinical testing. Allele origin: germline.

PreventionGenetics, part of Exact Sciences
Classification: Likely benign for OPLAH-related condition. Last evaluated: 2019-11-26. Review status: no assertion criteria provided. Collection method: clinical testing. Allele origin: germline. Not counted in ClinVar's aggregate classification.
Comment: This variant is classified as likely benign based on ACMG/AMP sequence variant interpretation guidelines (Richards et al. 2015 PMID: 25741868, with internal and published modifications).

NM_017570.5(OPLAH):c.1521G>A (p.Thr507=)

Gene: OPLAH (5-oxoprolinase, ATP-hydrolysing; minus strand). Cytogenetic location: 8q24.3.
Variant type: single nucleotide variant.
Coding change: c.1521G>A on transcript NM_017570.5 (MANE Select); coding-DNA position 1521, G replaced by A.
Protein change: p.Thr507=; no amino-acid change (threonine 507 retained).
Molecular consequence: synonymous variant.
Genome position (GRCh38, 1-based): chr8:144,057,222, C>T on the plus strand (G>A on the coding strand, the complement: OPLAH is on the minus strand). VCF-style: chr8-144057222-C-T. GRCh37 (hg19) VCF-style: chr8-145112125-C-T.
Other names: c.1521G>A (NM_017570.4).
Identifiers: ClinVar variation 2713821 (VCV002713821.5), dbSNP rs374886908, ClinGen allele CA4931827.
Genomic context (GRCh38, chr8:144,057,222, plus strand): 5'-CCCGGCGCAGATCACACCACCTCCGTGCACCCACACCCAGGCCCACCTGTGGATGTGCAC[C>T]GTGTCCATGCCCAGGGCCCGGGCGATGGCACATGCATGCTGCCCACCAGCTCCCCCAAAG-3'
Protein context (NP_060040.1, residues 497-517): CAIARALGMD[Thr507=]VHIHRHSGLL